The following is an entry in ClinVar:

NM_000059.4(BRCA2):c.7253G>A (p.Arg2418Lys)

Gene: BRCA2 (BRCA2 DNA repair associated; plus strand). Cytogenetic location: 13q13.1.
Variant type: single nucleotide variant.
Coding change: c.7253G>A on transcript NM_000059.4 (MANE Select); coding-DNA position 7253, G replaced by A.
Protein change: p.Arg2418Lys; replaces arginine 2418 with lysine.
Molecular consequence: missense variant.
Genome position (GRCh38, 1-based): chr13:32,355,106, G>A. VCF-style: chr13-32355106-G-A. GRCh37 (hg19) VCF-style: chr13-32929243-G-A.
Other names: short protein forms R2418K.
Identifiers: ClinVar variation 91473 (VCV000091473.13), dbSNP rs398122578, ClinGen allele CA024998.

ClinVar aggregate classification (germline): Uncertain significance. Review status: criteria provided, multiple submitters, no conflicts (2 of 4 stars). 5 submissions from 5 submitters: Uncertain significance (4). 1 of the submissions does not count toward it. Last evaluated 2025-08-14.

Conditions:
Hereditary cancer-predisposing syndrome. Also called: Tumor predisposition; Hereditary Cancer Syndrome; Neoplastic Syndromes, Hereditary; Hereditary neoplastic syndrome. Identifiers: Orphanet 140162, MedGen C0027672, MeSH D009386, MONDO:0015356.
Hereditary breast ovarian cancer syndrome. Also called: Breast and ovarian cancer; Hereditary breast and ovarian cancer; Hereditary breast and ovarian cancer syndrome; BRCA1- and BRCA2-Associated Hereditary Breast and Ovarian Cancer; Hereditary breast and ovarian cancer syndrome (HBOC); Hereditary breast and/or ovarian cancer syndrome. Identifiers: Orphanet 145, MedGen C0677776, MeSH D061325, MONDO:0003582. Disease mechanism: loss of function.
Breast-ovarian cancer, familial, susceptibility to, 2 (BROVCA2). Also called: BRCA2 Hereditary Breast and Ovarian Cancer. Identifiers: Orphanet 145, MedGen C2675520, MONDO:0012933, OMIM 612555. Disease mechanism: loss of function.

Submissions (5):

Ambry Genetics
Classification: Uncertain significance for Hereditary cancer-predisposing syndrome. Last evaluated: 2025-08-14. Review status: criteria provided, single submitter. Criteria: Ambry Variant Classification Scheme 2023. Collection method: clinical testing. Allele origin: germline.
Comment: The p.R2418K variant (also known as c.7253G>A), located in coding exon 13 of the BRCA2 gene, results from a G to A substitution at nucleotide position 7253. The arginine at codon 2418 is replaced by lysine, an amino acid with highly similar properties. This amino acid position is not well conserved in available vertebrate species. In addition, this alteration is predicted to be tolerated by in silico analysis. Since supporting evidence is limited at this time, the clinical significance of this alteration remains unclear.

Color Diagnostics, LLC DBA Color Health
Classification: Uncertain significance for Hereditary cancer-predisposing syndrome. Last evaluated: 2025-05-27. Review status: criteria provided, single submitter. Criteria: ACMG Guidelines, 2015. Collection method: clinical testing. Allele origin: germline.
Comment: This missense variant replaces arginine with lysine at codon 2418 of the BRCA2 protein. Computational prediction suggests that this variant may not impact protein structure and function. To our knowledge, functional studies have not been reported for this variant. A multifactorial analysis has reported a likelihood ratio for pathogenicity based on personal and family history of 0.953 from log(LR)=-0.0207 for one proband (PMID: 31853058). This variant has not been identified in the general population by the Genome Aggregation Database (gnomAD). The available evidence is insufficient to determine the role of this variant in disease conclusively. Therefore, this variant is classified as a Variant of Uncertain Significance.

Labcorp Genetics (formerly Invitae), Labcorp
Classification: Uncertain significance for Hereditary breast ovarian cancer syndrome. Last evaluated: 2025-03-12. Review status: criteria provided, single submitter. Criteria: Invitae Variant Classification Sherloc (09022015). Collection method: clinical testing. Allele origin: germline.
Comment: This sequence change replaces arginine, which is basic and polar, with lysine, which is basic and polar, at codon 2418 of the BRCA2 protein (p.Arg2418Lys). This variant is not present in population databases (gnomAD no frequency). This variant has not been reported in the literature in individuals affected with BRCA2-related conditions. ClinVar contains an entry for this variant (Variation ID: 91473). Invitae Evidence Modeling of protein sequence and biophysical properties (such as structural, functional, and spatial information, amino acid conservation, physicochemical variation, residue mobility, and thermodynamic stability) indicates that this missense variant is not expected to disrupt BRCA2 protein function with a negative predictive value of 95%. In summary, the available evidence is currently insufficient to determine the role of this variant in disease. Therefore, it has been classified as a Variant of Uncertain Significance.

Sema4
Classification: Uncertain significance for Hereditary cancer-predisposing syndrome. Last evaluated: 2022-03-10. Review status: criteria provided, single submitter. Criteria: Sema4 Curation Guidelines. Collection method: curation. Allele origin: germline.
Comment: The BRCA2 c.7253G>A (p.R2418K) variant has not been reported in the literature to our knowledge. This variant is not reported in the population database Genome Aggregation Database (PMID: 32461654). The variant has been reported in ClinVar (Variation ID: 91473). Functional studies have not been performed, and in silico predictions of the variant's effect on protein function are inconclusive. The evidence is insufficient to meet ACMG/AMP criteria for classifying the variant as benign or pathogenic. Thus, the clinical significance of this variant is currently uncertain.

Sharing Clinical Reports Project (SCRP)
Classification: Uncertain significance for Breast-ovarian cancer, familial 2. Last evaluated: 2008-08-18. Review status: no assertion criteria provided. Collection method: clinical testing. Allele origin: germline. Not counted in ClinVar's aggregate classification.

Literature cited by the submitters: PubMed 31853058 (cited by Color Diagnostics, LLC DBA Color Health).